The following is an entry in ClinVar:

ClinVar aggregate classification (germline): Likely pathogenic (1 of 4 stars; one submission).

Conditions:
Autosomal recessive polycystic kidney disease (ARPKD). Also called: AR polycystic kidney disease. Identifiers: Orphanet 731, Orphanet 8378, MedGen C0085548, MeSH D017044, MONDO:0009889.

Submission:

Natera, Inc.
Classification: Likely pathogenic for Autosomal recessive polycystic kidney disease. Last evaluated: 2025-02-19. Review status: criteria provided, single submitter. Criteria: Natera Variant Classification Schema (03/2026). Collection method: clinical testing. Allele origin: germline.
Comment: The c.6490+2T>C variant in PKHD1 is a canonical splice donor site variant predicted to affect pre-mRNA splicing, which may result in an abnormal transcript and altered protein product. This variant is expected to result in nonsense mediated decay, truncation, or a dysfunctional protein product. This variant is rare in the general population with a frequency below the threshold expected for the associated phenotype(s). Given the available evidence, this variant is classified as Likely Pathogenic.

NM_138694.4(PKHD1):c.6490+2T>C

Gene: PKHD1 (PKHD1 ciliary IPT domain containing fibrocystin/polyductin; minus strand). Cytogenetic location: 6p12.2.
Variant type: single nucleotide variant.
Coding change: c.6490+2T>C on transcript NM_138694.4 (MANE Select); the canonical splice donor site of the intron after coding-DNA position 6490, T replaced by C.
Molecular consequence: splice donor variant.
Genome position (GRCh38, 1-based): chr6:51,911,797, A>G on the plus strand (T>C on the coding strand, the complement: PKHD1 is on the minus strand). VCF-style: chr6-51911797-A-G. GRCh37 (hg19) VCF-style: chr6-51776595-A-G.
Other names: c.6490+2T>C (NM_170724.3).
Identifiers: ClinVar variation 4816718 (VCV004816718.1).